The following is an entry in ClinVar:

NM_000092.5(COL4A4):c.517G>A (p.Gly173Arg)

Gene: COL4A4 (collagen type IV alpha 4 chain; minus strand). Cytogenetic location: 2q36.3.
Variant type: single nucleotide variant.
Coding change: c.517G>A on transcript NM_000092.5 (MANE Select); coding-DNA position 517, G replaced by A.
Protein change: p.Gly173Arg; replaces glycine 173 with arginine.
Molecular consequence: missense variant.
Genome position (GRCh38, 1-based): chr2:227,114,669, C>T on the plus strand (G>A on the coding strand, the complement: COL4A4 is on the minus strand). VCF-style: chr2-227114669-C-T. GRCh37 (hg19) VCF-style: chr2-227979385-C-T.
Other names: short protein forms G173R.
Identifiers: ClinVar variation 1925258 (VCV001925258.5), dbSNP rs1440886472, ClinGen allele CA350861448.

ClinVar aggregate classification (germline): Uncertain significance (1 of 4 stars; one submission).

Allele frequency attached by ClinVar (database versions not stated): gnomAD exomes below 0.00001.
gnomAD v4.1: 1 of 1,613,864 alleles (0.000062%); highest among the groups gnomAD compares: East Asian, 0.0022%; no homozygotes.

Submission:

Labcorp Genetics (formerly Invitae), Labcorp
Classification: Uncertain significance. Last evaluated: 2024-10-15. Review status: criteria provided, single submitter. Criteria: Invitae Variant Classification Sherloc (09022015). Collection method: clinical testing. Allele origin: germline.
Comment: This sequence change replaces glycine, which is neutral and non-polar, with arginine, which is basic and polar, at codon 173 of the COL4A4 protein (p.Gly173Arg). This variant is present in population databases (no rsID available, gnomAD 0.006%). This variant has not been reported in the literature in individuals affected with COL4A4-related conditions. ClinVar contains an entry for this variant (Variation ID: 1925258). Invitae Evidence Modeling of protein sequence and biophysical properties (such as structural, functional, and spatial information, amino acid conservation, physicochemical variation, residue mobility, and thermodynamic stability) indicates that this missense variant is expected to disrupt COL4A4 protein function with a positive predictive value of 95%. In summary, the available evidence is currently insufficient to determine the role of this variant in disease. Therefore, it has been classified as a Variant of Uncertain Significance.